The following is an entry in ClinVar:

ClinVar aggregate classification (germline): Likely benign. Review status: criteria provided, single submitter (1 of 4 stars). 2 submissions from 2 submitters: Likely benign (1). 1 of the submissions does not count toward it. Last evaluated 2022-11-11.

Conditions:
Facioscapulohumeral muscular dystrophy 2 (FSHD2). Also called: FACIOSCAPULOHUMERAL MUSCULAR DYSTROPHY 2, DIGENIC; FSHD2, DIGENIC; MUSCULAR DYSTROPHY, FACIOSCAPULOHUMERAL, TYPE 1B. Identifiers: Orphanet 269, MedGen C1834671, MONDO:0008031, OMIM 158901.
SMCHD1-related disorder. Also called: SMCHD1-related condition.

Allele frequency attached by ClinVar (database versions not stated): gnomAD exomes 0.00001; ExAC 0.00004.
gnomAD v4.1: 2 of 1,570,812 alleles (0.00013%); highest among the groups gnomAD compares: Admixed American, 0.0019%; no homozygotes.

Submissions (2):

Labcorp Genetics (formerly Invitae), Labcorp
Classification: Likely benign for Facioscapulohumeral muscular dystrophy 2. Last evaluated: 2022-11-11. Review status: criteria provided, single submitter. Criteria: Invitae Variant Classification Sherloc (09022015). Collection method: clinical testing. Allele origin: germline.

PreventionGenetics, part of Exact Sciences
Classification: Likely benign for SMCHD1-related condition. Last evaluated: 2019-06-17. Review status: no assertion criteria provided. Collection method: clinical testing. Allele origin: germline. Not counted in ClinVar's aggregate classification.
Comment: This variant is classified as likely benign based on ACMG/AMP sequence variant interpretation guidelines (Richards et al. 2015 PMID: 25741868, with internal and published modifications).

NM_015295.3(SMCHD1):c.3948G>A (p.Gln1316=)

Gene: SMCHD1 (structural maintenance of chromosomes flexible hinge domain containing 1; plus strand). Cytogenetic location: 18p11.32.
Variant type: single nucleotide variant.
Coding change: c.3948G>A on transcript NM_015295.3 (MANE Select); coding-DNA position 3948, G replaced by A.
Protein change: p.Gln1316=; no amino-acid change (glutamine 1316 retained).
Molecular consequence: synonymous variant.
Genome position (GRCh38, 1-based): chr18:2,750,063, G>A. VCF-style: chr18-2750063-G-A. GRCh37 (hg19) VCF-style: chr18-2750061-G-A.
Identifiers: ClinVar variation 790917 (VCV000790917.10), dbSNP rs776456103, ClinGen allele CA8871347.